The following is an entry in ClinVar:

NM_001166114.2(PNPLA6):c.3699+42G>A

Gene: PNPLA6 (patatin like domain 6, lysophospholipase; plus strand). Cytogenetic location: 19p13.2.
Variant type: single nucleotide variant.
Coding change: c.3699+42G>A on transcript NM_001166114.2 (MANE Select); 42 bases into the intron after coding-DNA position 3699, G replaced by A.
Molecular consequence: intron variant.
Genome position (GRCh38, 1-based): chr19:7,559,193, G>A. VCF-style: chr19-7559193-G-A. GRCh37 (hg19) VCF-style: chr19-7624079-G-A.
Other names: c.3585+42G>A (NM_006702.5, NM_001166113.1); c.3504+42G>A (NM_001166112.2); c.3729+42G>A (NM_001166111.2).
Identifiers: ClinVar variation 667948 (VCV000667948.4), dbSNP rs538852, ClinGen allele CA9140547.

ClinVar aggregate classification (germline): Benign. Review status: criteria provided, multiple submitters, no conflicts (2 of 4 stars). 6 submissions from 3 submitters: Benign (6). Last evaluated 2021-10-25.

Conditions:
Ataxia-hypogonadism-choroidal dystrophy syndrome (BNHS). Also called: Boucher-Neuhäuser Syndrome (BNS); Chorioretinal dystrophy, spinocerebellar ataxia and hypogonadotropic hypogonadism. Identifiers: Orphanet 1180, MedGen C1859093, MONDO:0008980, OMIM 215470.
Hereditary spastic paraplegia 39 (SPG39). Also called: SPASTIC PARAPLEGIA 39, AUTOSOMAL RECESSIVE; Spastic Paraplegia Type 39 (SPG39). Identifiers: Orphanet 139480, MedGen C2677586, MONDO:0012787, OMIM 612020.
Trichomegaly-retina pigmentary degeneration-dwarfism syndrome (OMCS). Also called: OLIVER-MCFARLANE SYNDROME; Oliver-McFarlane Syndrome (OMCS); Eyelashes long mental retardation; Trichomegaly retina pigmentary degeneration dwarfism. Identifiers: Orphanet 3363, MedGen C1848745, MONDO:0010152, OMIM 275400.
Laurence-Moon syndrome (LNMS). Also called: PNPLA6-Related Laurence-Moon Syndrome (LMS). Identifiers: Orphanet 2377, MedGen C0023138, MONDO:0009514, OMIM 245800.

Allele frequency attached by ClinVar (database versions not stated): gnomAD exomes 0.20699; gnomAD 0.24567 and 0.24937; ESP Exome Variant Server 0.25119; 1000 Genomes Project 30x 0.26827; ExAC 0.21063; TOPMed 0.26226; 1000 Genomes Project 0.26498.
gnomAD v4.1: 311,994 of 1,561,912 alleles (20%); highest among the groups gnomAD compares: African/African-American, 38%; 33,147 homozygotes.

Submissions (6):

Genome-Nilou Lab
Classification: Benign for Laurence-Moon syndrome. Last evaluated: 2021-10-25. Review status: criteria provided, single submitter. Criteria: ACMG Guidelines, 2015. Collection method: clinical testing. Allele origin: germline. Affected: no.

Genome-Nilou Lab
Classification: Benign for Ataxia-hypogonadism-choroidal dystrophy syndrome. Last evaluated: 2021-10-25. Review status: criteria provided, single submitter. Criteria: ACMG Guidelines, 2015. Collection method: clinical testing. Allele origin: germline. Affected: no.

Genome-Nilou Lab
Classification: Benign for Trichomegaly-retina pigmentary degeneration-dwarfism syndrome. Last evaluated: 2021-10-25. Review status: criteria provided, single submitter. Criteria: ACMG Guidelines, 2015. Collection method: clinical testing. Allele origin: germline. Affected: no.

Genome-Nilou Lab
Classification: Benign for Hereditary spastic paraplegia 39. Last evaluated: 2021-10-25. Review status: criteria provided, single submitter. Criteria: ACMG Guidelines, 2015. Collection method: clinical testing. Allele origin: germline. Affected: no.

GeneDx
Classification: Benign. Last evaluated: 2018-06-14. Review status: criteria provided, single submitter. Criteria: GeneDx Variant Classification (06012015). Collection method: clinical testing. Allele origin: germline. Affected: yes.
Comment: This variant is considered likely benign or benign based on one or more of the following criteria: it is a conservative change, it occurs at a poorly conserved position in the protein, it is predicted to be benign by multiple in silico algorithms, and/or has population frequency not consistent with disease.

Breakthrough Genomics
Classification: Benign. Review status: criteria provided, single submitter. Criteria: ACMG Guidelines, 2015. Collection method: not provided. Allele origin: germline. Inheritance: Autosomal recessive inheritance. Affected: yes.